The following is an entry in ClinVar:

GRCh38/hg38 2p16.3(chr2:50751318-50856339)x1

Gene: NRXN1 (neurexin 1; minus strand). Cytogenetic location: 2p16.3.
Variant type: copy number loss.
Change: copy number 1 (one copy instead of two) of chr2:50,751,318-50,856,339 (105.0 kb, GRCh38 coordinates, 1-based), cytogenetic band 2p16.3.
Identifiers: ClinVar variation 150359 (VCV000150359.3).

ClinVar aggregate classification (germline): Likely benign (0 of 4 stars; one submission).

Submission:

ISCA site 4
Classification: Likely benign. Last evaluated: 2017-09-01. Review status: no assertion criteria provided. Collection method: clinical testing. Allele origin: unknown. Affected: yes. Observed: 1 variant allele.
Comment: intronic loss

Copy number variation identified through the course of routine clinical cytogenomic testing in postnatal populations, with clinical assertions as classified by the original submitter.